The following is an entry in ClinVar:

ClinVar aggregate classification (germline): Uncertain significance (1 of 4 stars; one submission).

Conditions:
Cardiovascular phenotype. Identifiers: MedGen CN230736.

gnomAD v4.1: 14 of 1,614,110 alleles (0.00087%); highest among the groups gnomAD compares: African/African-American, 0.0013%; no homozygotes.

Submission:

Ambry Genetics
Classification: Uncertain significance for Cardiovascular phenotype. Last evaluated: 2024-09-15. Review status: criteria provided, single submitter. Criteria: Ambry Variant Classification Scheme 2023. Collection method: clinical testing. Allele origin: germline.
Comment: The p.G1025E variant (also known as c.3074G>A), located in coding exon 25 of the JAG1 gene, results from a G to A substitution at nucleotide position 3074. The glycine at codon 1025 is replaced by glutamic acid, an amino acid with similar properties. This amino acid position is conserved. In addition, this alteration is predicted to be tolerated by in silico analysis. Based on the available evidence, the clinical significance of this variant remains unclear.

NM_000214.3(JAG1):c.3074G>A (p.Gly1025Glu)

Gene: JAG1 (jagged canonical Notch ligand 1; minus strand). Cytogenetic location: 20p12.2.
Variant type: single nucleotide variant.
Coding change: c.3074G>A on transcript NM_000214.3 (MANE Select); coding-DNA position 3074, G replaced by A.
Protein change: p.Gly1025Glu; replaces glycine 1025 with glutamic acid.
Molecular consequence: missense variant.
Genome position (GRCh38, 1-based): chr20:10,640,908, C>T on the plus strand (G>A on the coding strand, the complement: JAG1 is on the minus strand). VCF-style: chr20-10640908-C-T. GRCh37 (hg19) VCF-style: chr20-10621556-C-T.
Other names: short protein forms G1025E.
Identifiers: ClinVar variation 3531166 (VCV003531166.1).